The following is an entry in ClinVar:

NM_002528.7(NTHL1):c.555C>A (p.Ser185Arg)

Gene: NTHL1 (nth like DNA glycosylase 1; minus strand). Cytogenetic location: 16p13.3.
Variant type: single nucleotide variant.
Coding change: c.555C>A on transcript NM_002528.7 (MANE Select); coding-DNA position 555, C replaced by A.
Protein change: p.Ser185Arg; replaces serine 185 with arginine.
Molecular consequence: missense variant.
Genome position (GRCh38, 1-based): chr16:2,043,697, G>T on the plus strand (C>A on the coding strand, the complement: NTHL1 is on the minus strand). VCF-style: chr16-2043697-G-T. GRCh37 (hg19) VCF-style: chr16-2093698-G-T.
Other names: c.384C>A, p.Ser128Arg (NM_001318193.2); c.225C>A, p.Ser75Arg (NM_001318194.2); short protein forms S128R, S185R, S75R.
Identifiers: ClinVar variation 4861228 (VCV004861228.1).

ClinVar aggregate classification (germline): Uncertain significance (1 of 4 stars; one submission).

Conditions:
Hereditary cancer-predisposing syndrome. Also called: Neoplastic Syndromes, Hereditary; Tumor predisposition; Hereditary Cancer Syndrome; Hereditary neoplastic syndrome. Identifiers: Orphanet 140162, MedGen C0027672, MeSH D009386, MONDO:0015356.

Submission:

Ambry Genetics
Classification: Uncertain significance for Hereditary cancer-predisposing syndrome. Last evaluated: 2026-04-06. Review status: criteria provided, single submitter. Criteria: Ambry Variant Classification Scheme 2023. Collection method: clinical testing. Allele origin: germline.
Comment: The p.S193R variant (also known as c.579C>A), located in coding exon 4 of the NTHL1 gene, results from a C to A substitution at nucleotide position 579. The serine at codon 193 is replaced by arginine, an amino acid with dissimilar properties. This amino acid position is conserved. In addition, the in silico prediction for this alteration is inconclusive. Based on the available evidence, the clinical significance of this variant remains unclear.